The following is an entry in ClinVar:

ClinVar aggregate classification (germline): Uncertain significance (1 of 4 stars; one submission).

Submission:

Labcorp Genetics (formerly Invitae), Labcorp
Classification: Uncertain significance. Last evaluated: 2022-02-21. Review status: criteria provided, single submitter. Criteria: Invitae Variant Classification Sherloc (09022015). Collection method: clinical testing. Allele origin: germline.
Comment: This sequence change replaces glutamic acid, which is acidic and polar, with glutamine, which is neutral and polar, at codon 877 of the RPS6KC1 protein (p.Glu877Gln). This variant is not present in population databases (gnomAD no frequency). This variant has not been reported in the literature in individuals affected with RPS6KC1-related conditions. Algorithms developed to predict the effect of missense changes on protein structure and function (SIFT, PolyPhen-2, Align-GVGD) all suggest that this variant is likely to be tolerated. In summary, the available evidence is currently insufficient to determine the role of this variant in disease. Therefore, it has been classified as a Variant of Uncertain Significance.

NM_012424.6(RPS6KC1):c.2629G>C (p.Glu877Gln)

Gene: RPS6KC1 (ribosomal protein S6 kinase C1; plus strand). Cytogenetic location: 1q32.3.
Variant type: single nucleotide variant.
Coding change: c.2629G>C on transcript NM_012424.6 (MANE Select); coding-DNA position 2629, G replaced by C.
Protein change: p.Glu877Gln; replaces glutamic acid 877 with glutamine.
Molecular consequence: missense variant. On other transcripts: non-coding transcript variant (4).
Genome position (GRCh38, 1-based): chr1:213,242,105, G>C. VCF-style: chr1-213242105-G-C. GRCh37 (hg19) VCF-style: chr1-213415448-G-C.
Other names: c.2086G>C, p.Glu696Gln (NM_001349653.2, NM_001287221.3, NM_001349648.2 and 4 more transcripts); c.1993G>C, p.Glu665Gln (NM_001349654.2, NM_001287218.3, NM_001287219.3); c.1738G>C, p.Glu580Gln (NM_001349657.2, NM_001349658.2); c.1573G>C, p.Glu525Gln (NM_001349659.2, NM_001349660.2, NM_001349661.2 and 1 more transcripts); c.1234G>C, p.Glu412Gln (NM_001349663.2, NM_001349664.2, NM_001287220.3 and 8 more transcripts); c.2593G>C, p.Glu865Gln (NM_001136138.4); c.2536G>C, p.Glu846Gln (NM_001349646.2); c.2266G>C, p.Glu756Gln (NM_001349647.2); short protein forms E525Q, E756Q, E696Q, E865Q, E412Q, E846Q, E877Q, E580Q.
Identifiers: ClinVar variation 2094154 (VCV002094154.4), dbSNP rs2547634997, ClinGen allele CA344892242.